The following is an entry in ClinVar:

ClinVar aggregate classification (germline): Uncertain significance (1 of 4 stars; one submission).

Conditions:
Polycystic kidney disease 6 with or without polycystic liver disease. Also called: Autosomal Dominant Polycystic Kidney Disease-DNAJB11. Identifiers: MedGen C4748044, MONDO:0054842, OMIM 618061.

Submission:

MVZ Medizinische Genetik Mainz
Classification: Uncertain significance for Polycystic kidney disease 6 with or without polycystic liver disease. Last evaluated: 2026-06-17. Review status: criteria provided, single submitter. Criteria: UK Practice Guidelines For Variant Classification V4 01 2020. Collection method: clinical testing. Allele origin: germline. Inheritance: Autosomal dominant inheritance. Affected: yes. Observed: 1 variant allele.
Comment: ACMG Criteria: PM2_SUP,PP3,PP4

NM_016306.6(DNAJB11):c.323+5G>C

Gene: DNAJB11 (DnaJ heat shock protein family (Hsp40) member B11; plus strand). Cytogenetic location: 3q27.3.
Variant type: single nucleotide variant.
Coding change: c.323+5G>C on transcript NM_016306.6 (MANE Select); 5 bases into the intron after coding-DNA position 323, G replaced by C.
Molecular consequence: intron variant.
Genome position (GRCh38, 1-based): chr3:186,575,942, G>C. VCF-style: chr3-186575942-G-C. GRCh37 (hg19) VCF-style: chr3-186293731-G-C.
Other names: c.323+5G>C (NM_001378451.1).
Identifiers: ClinVar variation 4879839 (VCV004879839.1).
Genomic context (GRCh38, chr3:186,575,942, plus strand): 5'-GGTGAAGAAGGATTAAAAGATGGTCATCAGAGCTCCCATGGAGACATTTTTTCACAGTGA[G>C]TAATTTACCCATCTGCAAAGTGTTAGTGTCTGAGAGAGGGTCACTTAGCGATTAAAGAAT-3'